The following is an entry in ClinVar:

ClinVar aggregate classification (germline): Uncertain significance (1 of 4 stars; one submission).

Submission:

Labcorp Genetics (formerly Invitae), Labcorp
Classification: Uncertain significance. Last evaluated: 2025-05-15. Review status: criteria provided, single submitter. Criteria: Invitae Variant Classification Sherloc (09022015). Collection method: clinical testing. Allele origin: germline.
Comment: This sequence change replaces alanine, which is neutral and non-polar, with threonine, which is neutral and polar, at codon 352 of the SNRNP200 protein (p.Ala352Thr). This variant is not present in population databases (gnomAD no frequency). This variant has not been reported in the literature in individuals affected with SNRNP200-related conditions. Invitae Evidence Modeling of protein sequence and biophysical properties (such as structural, functional, and spatial information, amino acid conservation, physicochemical variation, residue mobility, and thermodynamic stability) indicates that this missense variant is not expected to disrupt SNRNP200 protein function with a negative predictive value of 95%. In summary, the available evidence is currently insufficient to determine the role of this variant in disease. Therefore, it has been classified as a Variant of Uncertain Significance.

NM_014014.5(SNRNP200):c.1054G>A (p.Ala352Thr)

Gene: SNRNP200 (small nuclear ribonucleoprotein U5 subunit 200; minus strand). Cytogenetic location: 2q11.2.
Variant type: single nucleotide variant.
Coding change: c.1054G>A on transcript NM_014014.5 (MANE Select); coding-DNA position 1054, G replaced by A.
Protein change: p.Ala352Thr; replaces alanine 352 with threonine.
Molecular consequence: missense variant.
Genome position (GRCh38, 1-based): chr2:96,298,349, C>T on the plus strand (G>A on the coding strand, the complement: SNRNP200 is on the minus strand). VCF-style: chr2-96298349-C-T. GRCh37 (hg19) VCF-style: chr2-96964087-C-T.
Other names: short protein forms A352T.
Identifiers: ClinVar variation 4746926 (VCV004746926.1).